The following is an entry in ClinVar:

NM_006950.3(SYN1):c.112_126del (p.His38_Ala42del)

Gene: SYN1 (synapsin I; minus strand). Cytogenetic location: Xp11.23.
Variant type: Deletion.
Coding change: c.112_126del on transcript NM_006950.3 (MANE Select); coding-DNA positions 112 to 126, 15 bases deleted (CACAGCCCCGGAGCC).
Protein change: p.His38_Ala42del.
Molecular consequence: inframe deletion.
Genome position (GRCh38, 1-based): chrX:47,619,603-47,619,617, GGCTCCGGGGCTGTG deleted on the plus strand (CACAGCCCCGGAGCC on the coding strand, the reverse complement: SYN1 is on the minus strand); deleting any 15 consecutive bases within chrX:47,619,603-47,619,620 gives the same sequence; the c. name uses the placement nearest the transcript's 3' end. VCF-style (leftmost placement, unchanged base first): chrX-47619602-TGGCTCCGGGGCTGTG-T. GRCh37 (hg19) VCF-style: chrX-47479001-TGGCTCCGGGGCTGTG-T.
Other names: c.112_126del, p.His38_Ala42del (NM_133499.2); c.112_126del15 (NM_133499.2).
Identifiers: ClinVar variation 1034821 (VCV001034821.10), dbSNP rs2057941937, ClinGen allele CA2427986179.
Genomic context (GRCh38, chrX:47,619,602, plus strand): 5'-GAGAGGCCGCTGGGGCGACCCCGGAGGACCTCTCGGCAGTGGCGGTCCCGGGACCGGGCG[TGGCTCCGGGGCTGTG>T]GGCACCGGGCGGCGGTGGGGGCGGCTGCGGACGCTGCAGGTCTGTCATGTACCCATTTGG-3'

ClinVar aggregate classification (germline): Uncertain significance. Review status: criteria provided, multiple submitters, no conflicts (2 of 4 stars). 2 submissions from 2 submitters: Uncertain significance (2). Last evaluated 2023-01-22.

Conditions:
Inborn genetic diseases. Identifiers: MedGen C0950123, MeSH D030342.
Epilepsy, X-linked 1, with variable learning disabilities and behavior disorders. Also called: X-linked epilepsy-learning disabilities-behavior disorders syndrome. Identifiers: Orphanet 85294, MedGen C5774177, MONDO:0010339, OMIM 300491.

Submissions (2):

Labcorp Genetics (formerly Invitae), Labcorp
Classification: Uncertain significance for Epilepsy, X-linked 1, with variable learning disabilities and behavior disorders. Last evaluated: 2023-01-22. Review status: criteria provided, single submitter. Criteria: Invitae Variant Classification Sherloc (09022015). Collection method: clinical testing. Allele origin: germline.
Comment: In summary, the available evidence is currently insufficient to determine the role of this variant in disease. Therefore, it has been classified as a Variant of Uncertain Significance. Experimental studies and prediction algorithms are not available or were not evaluated, and the functional significance of this variant is currently unknown. ClinVar contains an entry for this variant (Variation ID: 1034821). This variant has not been reported in the literature in individuals affected with SYN1-related conditions. This variant is not present in population databases (gnomAD no frequency). This variant, c.112_126del, results in the deletion of 5 amino acid(s) of the SYN1 protein (p.His38_Ala42del), but otherwise preserves the integrity of the reading frame.

Ambry Genetics
Classification: Uncertain significance for Inborn genetic diseases. Last evaluated: 2022-07-08. Review status: criteria provided, single submitter. Criteria: Ambry Variant Classification Scheme 2023. Collection method: clinical testing. Allele origin: germline.
Comment: The c.112_126del15 (p.H38_A42del) alteration is located in exon 1 (coding exon 1) of the SYN1 gene. This alteration consists of an in-frame deletion of 15 nucleotides between nucleotide positions c.112 and c.126, resulting in the deletion of <NA> residues. Based on insufficient or conflicting evidence, the clinical significance of this alteration remains unclear.